The following is an entry in ClinVar:

NM_001378454.1(ALMS1):c.12325C>A (p.Pro4109Thr)

Gene: ALMS1 (ALMS1 centrosome and basal body associated protein; plus strand). Cytogenetic location: 2p13.1.
Variant type: single nucleotide variant.
Coding change: c.12325C>A on transcript NM_001378454.1 (MANE Select); coding-DNA position 12325, C replaced by A.
Protein change: p.Pro4109Thr; replaces proline 4109 with threonine.
Molecular consequence: missense variant.
Genome position (GRCh38, 1-based): chr2:73,603,267, C>A. VCF-style: chr2-73603267-C-A. GRCh37 (hg19) VCF-style: chr2-73830394-C-A.
Other names: c.12328C>A, p.Pro4110Thr (NM_015120.4); short protein forms P4109T, P4110T.
Identifiers: ClinVar variation 3226586 (VCV003226586.1), dbSNP rs1675740053, ClinGen allele CA347271280.
Genomic context (GRCh38, chr2:73,603,267, plus strand): 5'-CTGTCCACTGAAAACCCTTTCTTCTCTTGCCTAGTCTTCCTGGCTATCCAGAAGAACAAG[C>A]CTATCAGCAAGAAGGAAATGATTCAGAGGTCCAAACGGTAAGACCAAGAAAACAAGAGTA-3'
Protein context (NP_001365383.1, residues 4099-4119): RVFLAIQKNK[Pro4109Thr]ISKKEMIQRS

ClinVar aggregate classification (germline): Uncertain significance (1 of 4 stars; one submission).

Conditions:
Cardiovascular phenotype. Identifiers: MedGen CN230736.

Submission:

Ambry Genetics
Classification: Uncertain significance for Cardiovascular phenotype. Last evaluated: 2023-11-13. Review status: criteria provided, single submitter. Criteria: Ambry Variant Classification Scheme 2023. Collection method: clinical testing. Allele origin: germline.
Comment: The p.P4110T variant (also known as c.12328C>A), located in coding exon 21 of the ALMS1 gene, results from a C to A substitution at nucleotide position 12328. The proline at codon 4110 is replaced by threonine, an amino acid with highly similar properties. This amino acid position is well conserved in available vertebrate species. In addition, this alteration is predicted to be tolerated by in silico analysis. Since supporting evidence is limited at this time, the clinical significance of this alteration remains unclear.